The following is an entry in ClinVar:

ClinVar aggregate classification (germline): Uncertain significance. Review status: criteria provided, multiple submitters, no conflicts (2 of 4 stars). 3 submissions from 3 submitters: Uncertain significance (3). Last evaluated 2024-02-17.

Conditions:
Inborn genetic diseases. Identifiers: MedGen C0950123, MeSH D030342.

Allele frequency attached by ClinVar (database versions not stated): ExAC 0.00004; gnomAD 0.00005; ESP Exome Variant Server 0.00008.
gnomAD v4.1: 64 of 1,583,276 alleles (0.004%); highest among the groups gnomAD compares: Non-Finnish European, 0.0052%; no homozygotes.

Submissions (3):

Ambry Genetics
Classification: Uncertain significance for Inborn genetic diseases. Last evaluated: 2024-02-17. Review status: criteria provided, single submitter. Criteria: Ambry Variant Classification Scheme 2023. Collection method: clinical testing. Allele origin: germline.

GeneDx
Classification: Uncertain significance. Last evaluated: 2023-12-12. Review status: criteria provided, single submitter. Criteria: GeneDx Variant Classification Process June 2021. Collection method: clinical testing. Allele origin: germline. Affected: yes.
Comment: In silico analysis supports that this missense variant does not alter protein structure/function; Has not been previously published as pathogenic or benign to our knowledge

Labcorp Genetics (formerly Invitae), Labcorp
Classification: Uncertain significance. Last evaluated: 2022-04-12. Review status: criteria provided, single submitter. Criteria: Invitae Variant Classification Sherloc (09022015). Collection method: clinical testing. Allele origin: germline.
Comment: Algorithms developed to predict the effect of missense changes on protein structure and function (SIFT, PolyPhen-2, Align-GVGD) all suggest that this variant is likely to be tolerated. This variant has not been reported in the literature in individuals affected with LAMA5-related conditions. This variant is present in population databases (rs138425104, gnomAD 0.005%). This sequence change replaces leucine, which is neutral and non-polar, with valine, which is neutral and non-polar, at codon 3020 of the LAMA5 protein (p.Leu3020Val). In summary, the available evidence is currently insufficient to determine the role of this variant in disease. Therefore, it has been classified as a Variant of Uncertain Significance.

NM_005560.6(LAMA5):c.9058C>G (p.Leu3020Val)

Gene: LAMA5 (laminin subunit alpha 5; minus strand). Cytogenetic location: 20q13.33.
Variant type: single nucleotide variant.
Coding change: c.9058C>G on transcript NM_005560.6 (MANE Select); coding-DNA position 9058, C replaced by G.
Protein change: p.Leu3020Val; replaces leucine 3020 with valine.
Molecular consequence: missense variant.
Genome position (GRCh38, 1-based): chr20:62,312,908, G>C on the plus strand (C>G on the coding strand, the complement: LAMA5 is on the minus strand). VCF-style: chr20-62312908-G-C. GRCh37 (hg19) VCF-style: chr20-60887964-G-C.
Other names: c.9058C>G (NM_005560.3); short protein forms L3020V.
Identifiers: ClinVar variation 2186355 (VCV002186355.6), dbSNP rs138425104, ClinGen allele CA9940451.
Genomic context (GRCh38, chr20:62,312,908, plus strand): 5'-TCTCCTCTCCCTGCCACCCTGGTCCCCACCCTGGCCCTACCGCCTTGCTGGCCGAGGTCA[G>C]GGGCGGTGGGGGCTGCAGTGGGACGGCCTTTTTCAGGCCAGCCCCAAAGTCATACAACAG-3'
Protein context (NP_005551.3, residues 3010-3030): KAVPLQPPPP[Leu3020Val]TSASKAIQVF